The following is an entry in ClinVar:

NM_001382391.1(CSPP1):c.2456_2459del (p.Lys819fs)

Gene: CSPP1 (centrosome and spindle pole associated protein 1; plus strand). Cytogenetic location: 8q13.2.
Variant type: Microsatellite.
Coding change: c.2456_2459del on transcript NM_001382391.1 (MANE Select); coding-DNA positions 2456 to 2459, 4 bases deleted (AGAA; older notation c.2456_2459delAGAA).
Protein change: p.Lys819fs; shifts the reading frame from lysine 819.
Molecular consequence: frameshift variant.
Genome position (GRCh38, 1-based): chr8:67,159,055-67,159,058, AGAA deleted; deleting any 4 consecutive bases within chr8:67,159,047-67,159,058 gives the same sequence; the c. name uses the placement nearest the transcript's 3' end. VCF-style (leftmost placement, unchanged base first): chr8-67159046-CAGAA-C. GRCh37 (hg19) VCF-style: chr8-68071281-CAGAA-C.
Other names: c.2433_2436delAGAA (NM_024790.6); c.1406_1409del, p.Lys469fs (NM_001291339.2); c.2375_2378del, p.Lys792fs (NM_001363131.2); c.2261_2264del, p.Lys754fs (NM_001363132.2); c.2180_2183del, p.Lys727fs (NM_001363133.2); c.2522_2525del, p.Lys841fs (NM_001364869.1); c.2342_2345del, p.Lys781fs (NM_001364870.1); c.2433_2436AGAA[2], p.Lys815Ilefs (NM_024790.7); short protein forms K814fs, K469fs, K754fs, K727fs, K781fs, K841fs, K792fs, K819fs.
Identifiers: ClinVar variation 217650 (VCV000217650.6), dbSNP rs761382780, ClinGen allele CA210297.

ClinVar aggregate classification (germline): Pathogenic. Review status: criteria provided, multiple submitters, no conflicts (2 of 4 stars). 3 submissions from 3 submitters: Pathogenic (3). Last evaluated 2025-11-05.

Conditions:
Joubert syndrome 21 (JBTS21). Identifiers: MedGen C3810212, MONDO:0014288, OMIM 615636.

Submissions (3):

GeneDx
Classification: Pathogenic. Last evaluated: 2025-11-05. Review status: criteria provided, single submitter. Criteria: GeneDx Variant Classification Process June 2021. Collection method: clinical testing. Allele origin: germline.
Comment: Frameshift variant predicted to result in protein truncation or nonsense mediated decay in a gene for which loss of function is a known mechanism of disease; Not observed at significant frequency in large population cohorts (gnomAD); This variant is associated with the following publications: (PMID: 24360808)

Labcorp Genetics (formerly Invitae), Labcorp
Classification: Pathogenic for Joubert syndrome 21. Last evaluated: 2024-03-04. Review status: criteria provided, single submitter. Criteria: Invitae Variant Classification Sherloc (09022015). Collection method: clinical testing. Allele origin: germline.
Comment: This sequence change creates a premature translational stop signal (p.Lys814Argfs*21) in the CSPP1 gene. It is expected to result in an absent or disrupted protein product. Loss-of-function variants in CSPP1 are known to be pathogenic (PMID: 24360807, 24360808). The frequency data for this variant in the population databases is considered unreliable, as metrics indicate poor data quality at this position in the gnomAD database. This premature translational stop signal has been observed in individual(s) with Joubert syndrome (PMID: 24360808). ClinVar contains an entry for this variant (Variation ID: 217650). For these reasons, this variant has been classified as Pathogenic.

UW Hindbrain Malformation Research Program, University of Washington
Classification: Pathogenic for Joubert syndrome 21. Last evaluated: 2015-02-23. Review status: criteria provided, single submitter. Criteria: Bachmann-Gagescu et al. (J Med Genet. 2015). Collection method: research. Allele origin: unknown. Affected: yes.

Literature cited by the submitters: PubMed 24360807 (cited by Labcorp Genetics (formerly Invitae), Labcorp); PubMed 24360808 (cited by Labcorp Genetics (formerly Invitae), Labcorp).